The following is an entry in ClinVar:

NM_007294.4(BRCA1):c.2761C>G (p.Gln921Glu)

Gene: BRCA1 (BRCA1 DNA repair associated; minus strand). Cytogenetic location: 17q21.31.
Variant type: single nucleotide variant.
Coding change: c.2761C>G on transcript NM_007294.4 (MANE Select); coding-DNA position 2761, C replaced by G.
Protein change: p.Gln921Glu; replaces glutamine 921 with glutamic acid.
Molecular consequence: missense variant. On other transcripts: intron variant (137).
Genome position (GRCh38, 1-based): chr17:43,092,770, G>C on the plus strand (C>G on the coding strand, the complement: BRCA1 is on the minus strand). VCF-style: chr17-43092770-G-C. GRCh37 (hg19) VCF-style: chr17-41244787-G-C.
Other names: c.2548C>G, p.Gln850Glu (NM_001407571.1, NM_001407853.1, NM_001407894.1 and 9 more transcripts); c.2761C>G, p.Gln921Glu (NM_001407581.1, NM_001407582.1, NM_001407583.1 and 30 more transcripts); c.2758C>G, p.Gln920Glu (NM_001407587.1, NM_001407590.1, NM_001407591.1 and 22 more transcripts); c.2752C>G, p.Gln918Glu (NM_001407646.1, NM_001407647.1); c.2638C>G, p.Gln880Glu (NM_001407648.1, NM_001407664.1, NM_001407665.1 and 19 more transcripts); c.2635C>G, p.Gln879Glu (NM_001407649.1, NM_001407670.1, NM_001407671.1 and 11 more transcripts); c.2683C>G, p.Gln895Glu (NM_001407653.1, NM_001407654.1, NM_001407655.1 and 4 more transcripts); c.2680C>G, p.Gln894Glu (NM_001407659.1, NM_001407660.1, NM_001407661.1 and 1 more transcripts); and 41 more; short protein forms Q794E, Q851E, Q854E, Q879E, Q753E, Q809E, Q833E, Q873E.
Identifiers: ClinVar variation 1795695 (VCV001795695.5), dbSNP rs80357377, ClinGen allele CA10596470.
Genomic context (GRCh38, chr17:43,092,770, plus strand): 5'-TATCAACTGGCTTATCTTTCTGACCAACCACAGGAAAGCCTGCAGTGATATTAACTGTCT[G>C]TACAGGCTTGATATTAGACTCATTCTTTCCTTGATTTTCTTCCTTTTGTTCACATTCAAA-3'
Protein context (NP_009225.1, residues 911-931): GKNESNIKPV[Gln921Glu]TVNITAGFPV

ClinVar aggregate classification (germline): Conflicting classifications of pathogenicity. Review status: criteria provided, conflicting classifications (1 of 4 stars). 3 submissions from 3 submitters: Uncertain significance (2); Likely benign (1). Last evaluated 2024-02-14.

Conditions:
Hereditary cancer-predisposing syndrome. Also called: Tumor predisposition; Hereditary Cancer Syndrome; Neoplastic Syndromes, Hereditary; Hereditary neoplastic syndrome. Identifiers: Orphanet 140162, MedGen C0027672, MeSH D009386, MONDO:0015356.

Submissions (3):

Color Diagnostics, LLC DBA Color Health
Classification: Uncertain significance for Hereditary cancer-predisposing syndrome. Last evaluated: 2024-02-14. Review status: criteria provided, single submitter. Criteria: ACMG Guidelines, 2015. Collection method: clinical testing. Allele origin: germline.
Comment: This missense variant replaces glutamine with glutamic acid at codon 921 of the BRCA1 protein. Computational prediction suggests that this variant may not impact protein structure and function. To our knowledge, functional studies have not been reported for this variant. This variant has been detected in a breast cancer case-control meta-analysis in 0/60466 cases and 1/53461 unaffected individuals (PMID: 33471991; Leiden Open Variation Database DB-ID BRCA1_006388). This variant has not been identified in the general population by the Genome Aggregation Database (gnomAD). The available evidence is insufficient to determine the role of this variant in disease conclusively. Therefore, this variant is classified as a Variant of Uncertain Significance.

University of Washington Department of Laboratory Medicine, University of Washington
Classification: Likely benign for Hereditary cancer-predisposing syndrome. Last evaluated: 2023-03-23. Review status: criteria provided, single submitter. Criteria: Dines et al. (Genet Med. 2020). Collection method: curation. Allele origin: germline.
Comment: Missense variant in a coldspot region where missense variants are very unlikely to be pathogenic (PMID:31911673).

BRCA1 coldspot (exon 11 using historical exon numbering). Reclassification based on statistical prior probability

Ambry Genetics
Classification: Uncertain significance for Hereditary cancer-predisposing syndrome. Last evaluated: 2020-07-31. Review status: criteria provided, single submitter. Criteria: Ambry Variant Classification Scheme 2023. Collection method: clinical testing. Allele origin: germline.
Comment: The p.Q921E variant (also known as c.2761C>G), located in coding exon 9 of the BRCA1 gene, results from a C to G substitution at nucleotide position 2761. The glutamine at codon 921 is replaced by glutamic acid, an amino acid with highly similar properties. This amino acid position is not well conserved in available vertebrate species. In addition, the in silico prediction for this alteration is inconclusive. Since supporting evidence is limited at this time, the clinical significance of this alteration remains unclear.

Literature cited by the submitters: PubMed 33471991 (cited by Color Diagnostics, LLC DBA Color Health).